The following is an entry in ClinVar:

NC_000016.10:g.14683149_16205174dup

Genes: ABCC1 (ATP binding cassette subfamily C member 1 (ABCC1 blood group); plus strand), ABCC6 (ATP binding cassette subfamily C member 6; minus strand), BMERB1 (bMERB domain containing 1; plus strand), CEP20 (centrosomal protein 20; minus strand), MARF1 (meiosis regulator and mRNA stability factor 1; minus strand) and 43 more. Cytogenetic location: 16p13.12-13.11.
Variant type: Duplication.
Identifiers: ClinVar variation 2500752 (VCV002500752.1).

ClinVar aggregate classification (germline): Uncertain significance (1 of 4 stars; one submission).

Submission:

Victorian Clinical Genetics Services, Murdoch Childrens Research Institute
Classification: Uncertain significance. Review status: criteria provided, single submitter. Criteria: ACMG Guidelines, 2015. Collection method: clinical testing. Allele origin: maternal. Affected: yes.
Comment: This previously reported duplication had been observed in the data, however the exact position of the breakpoints could not be unambigously determined. Previously reported breakpoints (chr16:14683149-16205174, QML Report ID 19-60857857 from 05/07/2019) should be used. Duplications of this region, which include the genes NDE1, MYH11, and several other genes, are associated with a variable phenotype that may include intellectual disability, neurodevelopmental disorders, and congenital anomalies (PMID: 21614007, PMID: 21150890). However, the duplication is often inherited and has also been found in healthy control individuals. Therefore the clinical significance of this duplication is uncertain.